The following is an entry in ClinVar:

NM_000466.3(PEX1):c.3287C>G (p.Ser1096Ter)

Genes: GATAD1 (GATA zinc finger domain containing 1; plus strand), PEX1 (peroxisomal biogenesis factor 1; minus strand). Cytogenetic location: 7q21.2.
Variant type: single nucleotide variant.
Coding change: c.3287C>G on transcript NM_000466.3 (MANE Select); coding-DNA position 3287, C replaced by G.
Protein change: p.Ser1096Ter; replaces serine 1096 with a stop codon.
Molecular consequence: nonsense.
Genome position (GRCh38, 1-based): chr7:92,491,423, G>C on the plus strand (C>G on the coding strand, the complement: PEX1 is on the minus strand). VCF-style: chr7-92491423-G-C. GRCh37 (hg19) VCF-style: chr7-92120737-G-C.
Other names: c.3116C>G, p.Ser1039Ter (NM_001282677.2); c.2663C>G, p.Ser888Ter (NM_001282678.2); short protein forms S1039*, S1096*, S888*.
Identifiers: ClinVar variation 2682444 (VCV002682444.1), dbSNP rs1042891094, ClinGen allele CA161953128.

ClinVar aggregate classification (germline): Pathogenic (1 of 4 stars; one submission).

Conditions:
Peroxisome biogenesis disorder. Identifiers: Orphanet 79189, MedGen C1832200, MONDO:0019234. Disease mechanism: loss of function.

Allele frequency attached by ClinVar (database versions not stated): gnomAD exomes below 0.00001; TOPMed below 0.00001; gnomAD 0.00001.
gnomAD v4.1: 2 of 1,613,586 alleles (0.00012%); highest among the groups gnomAD compares: African/African-American, 0.0027%; no homozygotes.

Submission:

Women's Health and Genetics/Laboratory Corporation of America, LabCorp
Classification: Pathogenic for Peroxisome biogenesis disorder. Last evaluated: 2023-11-10. Review status: criteria provided, single submitter. Criteria: LabCorp Variant Classification Summary - May 2015. Collection method: clinical testing. Allele origin: germline.
Comment: Variant summary: PEX1 c.3287C>G (p.Ser1096X) results in a premature termination codon, predicted to cause a truncation of the encoded protein or absence of the protein due to nonsense mediated decay, which are commonly known mechanisms for disease. Variants downstream of this position have been classified as pathogenic by our laboratory and in ClinVar. The variant allele was found at a frequency of 4e-06 in 251138 control chromosomes. c.3287C>G has been reported in the literature in at-least one individual affected with neonatal adrenoleucodystrophy (example: Rosewich_2005). These data do not allow any conclusion about variant significance. To our knowledge, no experimental evidence demonstrating an impact on protein function has been reported. The following publication has been ascertained in the context of this evaluation (PMID: 16141001). No submitters have cited clinical-significance assessments for this variant to ClinVar after 2014. Based on the evidence outlined above, the variant was classified as pathogenic.

Literature cited by the submitters: PubMed 16141001.